The following is an entry in ClinVar:

NM_001267550.2(TTN):c.15775+8T>C

Gene: TTN (titin; minus strand). Cytogenetic location: 2q31.2.
Variant type: single nucleotide variant.
Coding change: c.15775+8T>C on transcript NM_001267550.2 (MANE Select); 8 bases into the intron after coding-DNA position 15775, T replaced by C.
Molecular consequence: intron variant.
Genome position (GRCh38, 1-based): chr2:178,733,606, A>G on the plus strand (T>C on the coding strand, the complement: TTN is on the minus strand). VCF-style: chr2-178733606-A-G. GRCh37 (hg19) VCF-style: chr2-179598333-A-G.
Other names: c.14824+8T>C (NM_001256850.1); c.13282+4476T>C (NM_003319.4); c.13858+4476T>C (NM_133437.4); c.13657+4476T>C (NM_133432.3); c.12043+8T>C (NM_133378.4).
Identifiers: ClinVar variation 390721 (VCV000390721.12), dbSNP rs371673901, ClinGen allele CA16604235.
Genomic context (GRCh38, chr2:178,733,606, plus strand): 5'-TAAATGCTTGTTAGGGTTTCACTTTAATTCTAAATAGCAATTTGAGGTTTAAATGTTCCT[A>G]CACAAACCTTTAACTATTAATTCCCCAACAGATGTTTGGCTTCCAGCTTCATTTTCAGCC-3'

ClinVar aggregate classification (germline): Likely benign. Review status: criteria provided, multiple submitters, no conflicts (2 of 4 stars). 4 submissions from 4 submitters: Likely benign (4). Last evaluated 2026-01-26.

Conditions:
TTN-related disorder. Also called: TTN-related disorders; TTN-related condition; TTN-related disease.
Autosomal recessive limb-girdle muscular dystrophy type 2J (LGMDR10). Also called: Limb-girdle muscular dystrophy, type 2J; MUSCULAR DYSTROPHY, LIMB-GIRDLE, AUTOSOMAL RECESSIVE 10. Identifiers: Orphanet 140922, MedGen C1837342, MONDO:0012127, OMIM 608807.
Dilated cardiomyopathy 1G (CMD1G). Identifiers: Orphanet 154, MedGen C1858763, MONDO:0011400, OMIM 604145.

Allele frequency attached by ClinVar (database versions not stated): gnomAD exomes 0.00001; TOPMed 0.00002; ESP Exome Variant Server 0.00008.
gnomAD v4.1: 11 of 1,606,954 alleles (0.00068%); highest among the groups gnomAD compares: Non-Finnish European, 0.00085%; no homozygotes.

Submissions (4):

Labcorp Genetics (formerly Invitae), Labcorp
Classification: Likely benign for Dilated cardiomyopathy 1G; Autosomal recessive limb-girdle muscular dystrophy type 2J. Last evaluated: 2026-01-26. Review status: criteria provided, single submitter. Criteria: Invitae Variant Classification Sherloc (09022015). Collection method: clinical testing. Allele origin: germline.

PreventionGenetics, part of Exact Sciences
Classification: Likely benign for TTN-related condition. Last evaluated: 2026-01-16. Review status: criteria provided, single submitter. Criteria: ACMG Guidelines, 2015. Collection method: clinical testing. Allele origin: germline.
Comment: This variant is classified as likely benign based on ACMG/AMP sequence variant interpretation guidelines (Richards et al. 2015 PMID: 25741868, with internal and published modifications).

Women's Health and Genetics/Laboratory Corporation of America, LabCorp
Classification: Likely benign. Last evaluated: 2025-09-30. Review status: criteria provided, single submitter. Criteria: LabCorp Variant Classification Summary - May 2015. Collection method: clinical testing. Allele origin: germline.

GeneDx
Classification: Likely benign. Last evaluated: 2016-11-09. Review status: criteria provided, single submitter. Criteria: GeneDx Variant Classification (06012015). Collection method: clinical testing. Allele origin: germline. Affected: yes.
Comment: This variant is considered likely benign or benign based on one or more of the following criteria: it is a conservative change, it occurs at a poorly conserved position in the protein, it is predicted to be benign by multiple in silico algorithms, and/or has population frequency not consistent with disease.